The following is an entry in ClinVar:

ClinVar aggregate classification (germline): Uncertain significance (1 of 4 stars; one submission).

Conditions:
Hereditary cancer-predisposing syndrome. Also called: Hereditary Cancer Syndrome; Hereditary neoplastic syndrome; Neoplastic Syndromes, Hereditary; Tumor predisposition. Identifiers: Orphanet 140162, MedGen C0027672, MeSH D009386, MONDO:0015356.

Submission:

Ambry Genetics
Classification: Uncertain significance for Hereditary cancer-predisposing syndrome. Last evaluated: 2025-06-29. Review status: criteria provided, single submitter. Criteria: Ambry Variant Classification Scheme 2023. Collection method: clinical testing. Allele origin: germline.
Comment: The p.F157L variant (also known as c.471C>G), located in coding exon 6 of the POLE gene, results from a C to G substitution at nucleotide position 471. The phenylalanine at codon 157 is replaced by leucine, an amino acid with highly similar properties. This amino acid position is conserved. In addition, the in silico prediction for this alteration is inconclusive. Since supporting evidence is limited at this time, the clinical significance of this alteration remains unclear.

NM_006231.4(POLE):c.471C>G (p.Phe157Leu)

Gene: POLE (DNA polymerase epsilon, catalytic subunit; minus strand). Cytogenetic location: 12q24.33.
Variant type: single nucleotide variant.
Coding change: c.471C>G on transcript NM_006231.4 (MANE Select); coding-DNA position 471, C replaced by G.
Protein change: p.Phe157Leu; replaces phenylalanine 157 with leucine.
Molecular consequence: missense variant.
Genome position (GRCh38, 1-based): chr12:132,679,604, G>C on the plus strand (C>G on the coding strand, the complement: POLE is on the minus strand). VCF-style: chr12-132679604-G-C. GRCh37 (hg19) VCF-style: chr12-133256190-G-C.
Other names: short protein forms F157L.
Identifiers: ClinVar variation 1742640 (VCV001742640.3), dbSNP rs2542188664, ClinGen allele CA387367353.